The following is an entry in ClinVar:

ClinVar aggregate classification (germline): Uncertain significance (1 of 4 stars; one submission).

Conditions:
Hereditary cancer-predisposing syndrome. Also called: Neoplastic Syndromes, Hereditary; Tumor predisposition; Hereditary neoplastic syndrome; Hereditary Cancer Syndrome. Identifiers: Orphanet 140162, MedGen C0027672, MeSH D009386, MONDO:0015356.

Submission:

Labcorp Genetics (formerly Invitae), Labcorp
Classification: Uncertain significance for Hereditary cancer-predisposing syndrome. Last evaluated: 2019-12-07. Review status: criteria provided, single submitter. Criteria: Invitae Variant Classification Sherloc (09022015). Collection method: clinical testing. Allele origin: germline.
Comment: In summary, the available evidence is currently insufficient to determine the role of this variant in disease. Therefore, it has been classified as a Variant of Uncertain Significance. Nucleotide substitutions within the consensus splice site are a relatively common cause of aberrant splicing (PMID: 17576681, 9536098). Algorithms developed to predict the effect of sequence changes on RNA splicing suggest that this variant may disrupt the consensus splice site, but this prediction has not been confirmed by published transcriptional studies. This variant has not been reported in the literature in individuals with RAD50-related disease. This variant is not present in population databases (ExAC no frequency). This sequence change falls in intron 1 of the RAD50 gene. It does not directly change the encoded amino acid sequence of the RAD50 protein, but it affects a nucleotide within the consensus splice site of the intron.

Literature cited by the submitters: PubMed 17576681; PubMed 9536098.

NM_005732.4(RAD50):c.129+6T>C

Gene: RAD50 (RAD50 double strand break repair protein; plus strand). Cytogenetic location: 5q31.1.
Variant type: single nucleotide variant.
Coding change: c.129+6T>C on transcript NM_005732.4 (MANE Select); 6 bases into the intron after coding-DNA position 129, T replaced by C.
Molecular consequence: intron variant.
Genome position (GRCh38, 1-based): chr5:132,557,459, T>C. VCF-style: chr5-132557459-T-C. GRCh37 (hg19) VCF-style: chr5-131893151-T-C.
Identifiers: ClinVar variation 580399 (VCV000580399.12), dbSNP rs1561627117, ClinGen allele CA891842968.